The following is an entry in ClinVar:

NM_005529.7(HSPG2):c.12930C>T (p.Asp4310=)

Genes: HSPG2 (heparan sulfate proteoglycan 2; minus strand), LDLRAD2 (low density lipoprotein receptor class A domain containing 2; plus strand). Cytogenetic location: 1p36.12.
Variant type: single nucleotide variant.
Coding change: c.12930C>T on transcript NM_005529.7 (MANE Select); coding-DNA position 12930, C replaced by T.
Protein change: p.Asp4310=; no amino-acid change (aspartic acid 4310 retained).
Molecular consequence: synonymous variant. On other transcripts: 3 prime UTR variant (1).
Genome position (GRCh38, 1-based): chr1:21,823,689, G>A on the plus strand (C>T on the coding strand, the complement: HSPG2 is on the minus strand). VCF-style: chr1-21823689-G-A. GRCh37 (hg19) VCF-style: chr1-22150182-G-A.
Other names: c.12933C>T, p.Asp4311= (NM_001291860.2); c.*1474G>A (NM_001013693.3).
Identifiers: ClinVar variation 4748219 (VCV004748219.3).
Genomic context (GRCh38, chr1:21,823,689, plus strand): 5'-GCCCTTGGCGTTGACTGCCACGTTGGGACCTGGGGACCGGCCGCTGACCAGCTCCTCACC[G>A]TCGACTTGGATGGAACCTCTGCGGCCCTCCCTGCAGTGGAACTGGGTCAGGCCCCTTTCC-3'
Protein context (NP_005520.4, residues 4300-4320): REGRRGSIQV[Asp4310=]GEELVSGRSP

ClinVar aggregate classification (germline): Likely benign. Review status: criteria provided, multiple submitters, no conflicts (2 of 4 stars). 2 submissions from 2 submitters: Likely benign (2). Last evaluated 2026-06-01.

gnomAD v4.1: 15 of 1,613,504 alleles (0.00093%); highest among the groups gnomAD compares: South Asian, 0.0022%; no homozygotes.

Submissions (2):

CeGaT Center for Human Genetics Tuebingen
Classification: Likely benign. Last evaluated: 2026-06-01. Review status: criteria provided, single submitter. Criteria: CeGaT Center For Human Genetics Tuebingen Variant Classification Criteria Version 2. Collection method: clinical testing. Allele origin: germline. Affected: yes. Observed: 1 variant allele.
Comment: HSPG2: BP4, BP7

Labcorp Genetics (formerly Invitae), Labcorp
Classification: Likely benign. Last evaluated: 2025-10-12. Review status: criteria provided, single submitter. Criteria: Invitae Variant Classification Sherloc (09022015). Collection method: clinical testing. Allele origin: germline.